The following is an entry in ClinVar:

NM_172245.4(CSF2RA):c.104G>A (p.Ser35Asn)

Gene: CSF2RA (colony stimulating factor 2 receptor subunit alpha; plus strand). Cytogenetic location: Xp22.33.
Variant type: single nucleotide variant.
Coding change: c.104G>A on transcript NM_172245.4 (MANE Select); coding-DNA position 104, G replaced by A.
Protein change: p.Ser35Asn; replaces serine 35 with asparagine.
Molecular consequence: missense variant. On other transcripts: non-coding transcript variant (1), intron variant (1).
Genome position (GRCh38, 1-based): chrX:1,285,805, G>A. VCF-style: chrX-1285805-G-A. GRCh37 (hg19) VCF-style: chrX-1404698-G-A.
Other names: c.104G>A, p.Ser35Asn (NM_001161529.2, NM_001161530.2, NM_001161531.2 and 20 more transcripts); c.-180-2714G>A (NM_001161532.2); short protein forms S35N.
Identifiers: ClinVar variation 1400868 (VCV001400868.7), dbSNP rs2148311272, ClinGen allele CA412234547.

ClinVar aggregate classification (germline): Uncertain significance (1 of 4 stars; one submission).

Conditions:
Surfactant metabolism dysfunction, pulmonary, 4 (SMDP4). Also called: CSF2RA DEFICIENCY; PAP DUE TO CSF2RA DEFICIENCY; PULMONARY ALVEOLAR PROTEINOSIS, CONGENITAL, 4. Identifiers: Orphanet 264675, MedGen C2677877, MONDO:0010424, OMIM 300770.

Submission:

Labcorp Genetics (formerly Invitae), Labcorp
Classification: Uncertain significance for Surfactant metabolism dysfunction, pulmonary, 4. Last evaluated: 2025-04-18. Review status: criteria provided, single submitter. Criteria: Invitae Variant Classification Sherloc (09022015). Collection method: clinical testing. Allele origin: germline.
Comment: This sequence change replaces serine, which is neutral and polar, with asparagine, which is neutral and polar, at codon 35 of the CSF2RA protein (p.Ser35Asn). This variant is not present in population databases (gnomAD no frequency). This variant has not been reported in the literature in individuals affected with CSF2RA-related conditions. ClinVar contains an entry for this variant (Variation ID: 1400868). Invitae Evidence Modeling of protein sequence and biophysical properties (such as structural, functional, and spatial information, amino acid conservation, physicochemical variation, residue mobility, and thermodynamic stability) indicates that this missense variant is not expected to disrupt CSF2RA protein function with a negative predictive value of 80%. In summary, the available evidence is currently insufficient to determine the role of this variant in disease. Therefore, it has been classified as a Variant of Uncertain Significance.